The following is an entry in ClinVar:

NM_015409.5(EP400):c.8749+1del

Gene: EP400 (E1A binding protein p400; plus strand). Cytogenetic location: 12q24.33.
Variant type: Deletion.
Coding change: c.8749+1del on transcript NM_015409.5 (MANE Select); the canonical splice donor site of the intron after coding-DNA position 8749, one base deleted (G; older notation c.8749+1delG).
Molecular consequence: splice donor variant.
Genome position (GRCh38, 1-based): chr12:132,066,970, G deleted; the last of 2 consecutive G bases (chr12:132,066,969-132,066,970); deleting either gives the same sequence. VCF-style (leftmost placement, unchanged base first): chr12-132066968-AG-A. GRCh37 (hg19) VCF-style: chr12-132551513-AG-A.
Identifiers: ClinVar variation 2634382 (VCV002634382.1), dbSNP rs2541009246, ClinGen allele CA2695199192.

ClinVar aggregate classification (germline): Uncertain significance (1 of 4 stars; one submission).

Conditions:
EP400-related disorder. Also called: EP400-related condition.

Submission:

PreventionGenetics, part of Exact Sciences
Classification: Uncertain significance for EP400-related condition. Last evaluated: 2022-09-22. Review status: criteria provided, single submitter. Criteria: ACMG Guidelines, 2015. Collection method: clinical testing. Allele origin: germline.
Comment: The EP400 c.8749+1delG variant is predicted to result in a deletion affecting a canonical splice site. To our knowledge, this variant has not been reported in the literature or in a large population database, indicating this variant is rare. Although we suspect that this variant may be pathogenic, at this time, the clinical significance of this variant is uncertain due to the absence of conclusive functional and genetic evidence.